The following is an entry in ClinVar:

ClinVar aggregate classification (germline): Benign. Review status: criteria provided, single submitter (1 of 4 stars). 2 submissions from 2 submitters: Benign (1). 1 of the submissions does not count toward it. Last evaluated 2018-12-18.

Conditions:
MYT1-related disorder. Also called: MYT1-related condition.

Allele frequency attached by ClinVar (database versions not stated): gnomAD 0.00005 and 0.00179; ESP Exome Variant Server 0.00008; TOPMed 0.00030; ExAC 0.00750; 1000 Genomes Project 30x 0.01515; 1000 Genomes Project 0.01518.
gnomAD v4.1: 4,534 of 1,613,302 alleles (0.28%); highest among the groups gnomAD compares: South Asian, 4.6%; 167 homozygotes.

Submissions (2):

Labcorp Genetics (formerly Invitae), Labcorp
Classification: Benign. Last evaluated: 2018-12-18. Review status: criteria provided, single submitter. Criteria: Invitae Variant Classification Sherloc (09022015). Collection method: clinical testing. Allele origin: germline.

PreventionGenetics, part of Exact Sciences
Classification: Benign for MYT1-related condition. Last evaluated: 2019-09-18. Review status: no assertion criteria provided. Collection method: clinical testing. Allele origin: germline. Not counted in ClinVar's aggregate classification.
Comment: This variant is classified as benign based on ACMG/AMP sequence variant interpretation guidelines (Richards et al. 2015 PMID: 25741868, with internal and published modifications).

NM_004535.3(MYT1):c.1959C>T (p.Asp653=)

Gene: MYT1 (myelin transcription factor 1; plus strand). Cytogenetic location: 20q13.33.
Variant type: single nucleotide variant.
Coding change: c.1959C>T on transcript NM_004535.3 (MANE Select); coding-DNA position 1959, C replaced by T.
Protein change: p.Asp653=; no amino-acid change (aspartic acid 653 retained).
Molecular consequence: synonymous variant.
Genome position (GRCh38, 1-based): chr20:64,219,023, C>T. VCF-style: chr20-64219023-C-T. GRCh37 (hg19) VCF-style: chr20-62850376-C-T.
Identifiers: ClinVar variation 726934 (VCV000726934.5), dbSNP rs202159344, ClinGen allele CA9975034.